The following is an entry in ClinVar:

NM_004168.4(SDHA):c.1756A>G (p.Lys586Glu)

Gene: SDHA (succinate dehydrogenase complex flavoprotein subunit A; plus strand). Cytogenetic location: 5p15.33.
Variant type: single nucleotide variant.
Coding change: c.1756A>G on transcript NM_004168.4 (MANE Select); coding-DNA position 1756, A replaced by G.
Protein change: p.Lys586Glu; replaces lysine 586 with glutamic acid.
Molecular consequence: missense variant. On other transcripts: intron variant (1).
Genome position (GRCh38, 1-based): chr5:251,430, A>G. VCF-style: chr5-251430-A-G. GRCh37 (hg19) VCF-style: chr5-251545-A-G.
Other names: c.1612A>G, p.Lys538Glu (NM_001294332.2); c.1552-2963A>G (NM_001330758.2); short protein forms K538E, K586E.
Identifiers: ClinVar variation 1006050 (VCV001006050.9), dbSNP rs1736823607, ClinGen allele CA359000290.

ClinVar aggregate classification (germline): Uncertain significance (1 of 4 stars; one submission).

Conditions:
Mitochondrial complex II deficiency, nuclear type 1. Also called: SUCCINATE CoQ REDUCTASE DEFICIENCY. Identifiers: Orphanet 3208, MedGen C5700310, MONDO:0100294, OMIM 252011.
Pheochromocytoma/paraganglioma syndrome 5. Also called: Paragangliomas 5; SDHA-Related Hereditary Paraganglioma-Pheochromocytoma Syndrome. Identifiers: Orphanet 29072, MedGen C3279992, MONDO:0013602, OMIM 614165.

Submission:

Labcorp Genetics (formerly Invitae), Labcorp
Classification: Uncertain significance for Pheochromocytoma/paraganglioma syndrome 5; Mitochondrial complex II deficiency, nuclear type 1. Last evaluated: 2022-01-28. Review status: criteria provided, single submitter. Criteria: Invitae Variant Classification Sherloc (09022015). Collection method: clinical testing. Allele origin: germline.
Comment: In summary, the available evidence is currently insufficient to determine the role of this variant in disease. Therefore, it has been classified as a Variant of Uncertain Significance. Advanced modeling of protein sequence and biophysical properties (such as structural, functional, and spatial information, amino acid conservation, physicochemical variation, residue mobility, and thermodynamic stability) performed at Invitae indicates that this missense variant is expected to disrupt SDHA protein function. ClinVar contains an entry for this variant (Variation ID: 1006050). This variant has not been reported in the literature in individuals affected with SDHA-related conditions. This variant is not present in population databases (gnomAD no frequency). This sequence change replaces lysine, which is basic and polar, with glutamic acid, which is acidic and polar, at codon 586 of the SDHA protein (p.Lys586Glu).